The following is an entry in ClinVar:

ClinVar aggregate classification (germline): Uncertain significance (1 of 4 stars; one submission).

gnomAD v4.1: 7 of 1,609,658 alleles (0.00043%); highest among the groups gnomAD compares: African/African-American, 0.008%; no homozygotes.

Submission:

Labcorp Genetics (formerly Invitae), Labcorp
Classification: Uncertain significance. Last evaluated: 2024-12-04. Review status: criteria provided, single submitter. Criteria: Invitae Variant Classification Sherloc (09022015). Collection method: clinical testing. Allele origin: germline.
Comment: This sequence change replaces alanine, which is neutral and non-polar, with threonine, which is neutral and polar, at codon 1801 of the PCNT protein (p.Ala1801Thr). The frequency data for this variant in the population databases is considered unreliable, as metrics indicate poor data quality at this position in the gnomAD database. This variant has not been reported in the literature in individuals affected with PCNT-related conditions. An algorithm developed to predict the effect of missense changes on protein structure and function outputs the following: PolyPhen-2: "Benign". The threonine amino acid residue is found in multiple mammalian species, which suggests that this missense change does not adversely affect protein function. In summary, the available evidence is currently insufficient to determine the role of this variant in disease. Therefore, it has been classified as a Variant of Uncertain Significance.

NM_006031.6(PCNT):c.5401G>A (p.Ala1801Thr)

Gene: PCNT (pericentrin; plus strand). Cytogenetic location: 21q22.3.
Variant type: single nucleotide variant.
Coding change: c.5401G>A on transcript NM_006031.6 (MANE Select); coding-DNA position 5401, G replaced by A.
Protein change: p.Ala1801Thr; replaces alanine 1801 with threonine.
Molecular consequence: missense variant.
Genome position (GRCh38, 1-based): chr21:46,411,474, G>A. VCF-style: chr21-46411474-G-A. GRCh37 (hg19) VCF-style: chr21-47831388-G-A.
Other names: c.5047G>A, p.Ala1683Thr (NM_001315529.2); short protein forms A1683T, A1801T.
Identifiers: ClinVar variation 3694273 (VCV003694273.2).